The following is an entry in ClinVar:

ClinVar aggregate classification (germline): Likely benign (1 of 4 stars; one submission).

Allele frequency attached by ClinVar (database versions not stated): 1000 Genomes Project 0.00200; 1000 Genomes Project 30x 0.00203; TOPMed 0.00255; gnomAD 0.00347 and 0.00364; gnomAD exomes 0.00365 and 0.00415; ExAC 0.00396.
gnomAD v4.1: 6,560 of 1,612,778 alleles (0.41%); highest among the groups gnomAD compares: Non-Finnish European, 0.45%; 19 homozygotes.

Submission:

GeneDx
Classification: Likely benign. Last evaluated: 2018-06-19. Review status: criteria provided, single submitter. Criteria: GeneDx Variant Classification (06012015). Collection method: clinical testing. Allele origin: germline. Affected: yes.
Comment: This variant is considered likely benign or benign based on one or more of the following criteria: it is a conservative change, it occurs at a poorly conserved position in the protein, it is predicted to be benign by multiple in silico algorithms, and/or has population frequency not consistent with disease.

NM_001376.5(DYNC1H1):c.8637+56A>G

Gene: DYNC1H1 (dynein cytoplasmic 1 heavy chain 1; plus strand). Cytogenetic location: 14q32.31.
Variant type: single nucleotide variant.
Coding change: c.8637+56A>G on transcript NM_001376.5 (MANE Select); 56 bases into the intron after coding-DNA position 8637, A replaced by G.
Molecular consequence: intron variant.
Genome position (GRCh38, 1-based): chr14:102,022,936, A>G. VCF-style: chr14-102022936-A-G. GRCh37 (hg19) VCF-style: chr14-102489273-A-G.
Identifiers: ClinVar variation 681612 (VCV000681612.1), dbSNP rs17512558, ClinGen allele CA7353080.